The following is an entry in ClinVar:

ClinVar aggregate classification (germline): Uncertain significance (1 of 4 stars; one submission).

Conditions:
Charcot-Marie-Tooth disease type 4. Also called: Charcot-Marie-Tooth disease, type IV; Charcot-Marie-Tooth, Type 4. Identifiers: Orphanet 64749, MedGen C4082197, MONDO:0018995.

Submission:

Labcorp Genetics (formerly Invitae), Labcorp
Classification: Uncertain significance for Charcot-Marie-Tooth disease type 4. Last evaluated: 2021-08-02. Review status: criteria provided, single submitter. Criteria: Invitae Variant Classification Sherloc (09022015). Collection method: clinical testing. Allele origin: germline.
Comment: In summary, the available evidence is currently insufficient to determine the role of this variant in disease. Therefore, it has been classified as a Variant of Uncertain Significance. Algorithms developed to predict the effect of missense changes on protein structure and function (SIFT, PolyPhen-2, Align-GVGD) all suggest that this variant is likely to be tolerated. This variant has not been reported in the literature in individuals affected with PRX-related conditions. This variant is not present in population databases (ExAC no frequency). This sequence change replaces proline with histidine at codon 497 of the PRX protein (p.Pro497His). The proline residue is moderately conserved and there is a moderate physicochemical difference between proline and histidine.

NM_181882.3(PRX):c.1490C>A (p.Pro497His)

Gene: PRX (periaxin; minus strand). Cytogenetic location: 19q13.2.
Variant type: single nucleotide variant.
Coding change: c.1490C>A on transcript NM_181882.3 (MANE Select); coding-DNA position 1490, C replaced by A.
Protein change: p.Pro497His; replaces proline 497 with histidine.
Molecular consequence: missense variant. On other transcripts: 3 prime UTR variant (1).
Genome position (GRCh38, 1-based): chr19:40,396,862, G>T on the plus strand (C>A on the coding strand, the complement: PRX is on the minus strand). VCF-style: chr19-40396862-G-T. GRCh37 (hg19) VCF-style: chr19-40902769-G-T.
Other names: c.*1695C>A (NM_020956.2); short protein forms P497H.
Identifiers: ClinVar variation 1509622 (VCV001509622.6), dbSNP rs1167411868, ClinGen allele CA405898289.
Genomic context (GRCh38, chr19:40,396,862, plus strand): 5'-AGCCGCACCTCCGGCACAGCCATCTCTGGCACCTTTGGGAGTTTCATCTCTGACACTTTG[G>T]GCAGCTCTACCTCTGGAAGCCGCACCTCCGGCACAGCCATCTCTGGCACCTTTGGGAGTT-3'
Protein context (NP_870998.2, residues 487-507): PEVRLPEVEL[Pro497His]KVSEMKLPKV